The following is an entry in ClinVar:

ClinVar aggregate classification (germline): Pathogenic (1 of 4 stars; one submission).

Conditions:
Niemann-Pick disease, type C1. Also called: NEUROVISCERAL STORAGE DISEASE WITH VERTICAL SUPRANUCLEAR OPHTHALMOPLEGIA; NIEMANN-PICK DISEASE WITH CHOLESTEROL ESTERIFICATION BLOCK; NIEMANN-PICK DISEASE WITHOUT SPHINGOMYELINASE DEFICIENCY; NIEMANN-PICK DISEASE, CHRONIC NEURONOPATHIC FORM; NIEMANN-PICK DISEASE, VARIANT TYPE C1. Identifiers: Orphanet 646, MedGen C3179455, MONDO:0009757, OMIM 257220.

Submission:

Myriad Genetics, Inc.
Classification: Pathogenic for Niemann-Pick disease, type C1. Last evaluated: 2024-11-23. Review status: criteria provided, single submitter. Criteria: Myriad Autosomal Dominant, Autosomal Recessive and X-Linked Classification Criteria (2023). Collection method: clinical testing. Allele origin: unknown.
Comment: NM_000271.4(NPC1):c.219_220delCT(C74Lfs*2) is expected to be pathogenic in the context of Niemann-Pick disease type C1. This variant is predicted to lead to an abnormal or absent protein product due to the creation of a premature termination codon in NPC1, a gene where loss-of-function variants are known to be pathogenic. Please note: this variant was assessed in the context of healthy population screening.

NM_000271.5(NPC1):c.219_220del (p.Cys74fs)

Gene: NPC1 (NPC intracellular cholesterol transporter 1; minus strand). Cytogenetic location: 18q11.2.
Variant type: Microsatellite.
Coding change: c.219_220del on transcript NM_000271.5 (MANE Select); coding-DNA positions 219 to 220, 2 bases deleted (CT; older notation c.219_220delCT).
Protein change: p.Cys74fs; shifts the reading frame from cysteine 74.
Molecular consequence: frameshift variant.
Genome position (GRCh38, 1-based): chr18:23,572,141-23,572,142, AG deleted on the plus strand (CT on the coding strand, the reverse complement: NPC1 is on the minus strand); deleting any 2 consecutive bases within chr18:23,572,141-23,572,145 gives the same sequence; the c. name uses the placement nearest the transcript's 3' end. VCF-style (leftmost placement, unchanged base first): chr18-23572140-CAG-C. GRCh37 (hg19) VCF-style: chr18-21152104-CAG-C.
Other names: short protein forms C74fs.
Identifiers: ClinVar variation 5013796 (VCV005013796.1).
Genomic context (GRCh38, chr18:23,572,140, plus strand): 5'-AGAAACTGTAGAGGCAGCTGCAGGTTGTCTTTTAGTGTCTGAAGCTGCCGAACATCACAA[CAG>C]AGACTGACATTGCCAAAGAAGAATCCTGGACAGAGTTCCTTTCAGGTGAAAGAGCACAGA-3'